The following is an entry in ClinVar:

ClinVar aggregate classification (germline): Uncertain significance (1 of 4 stars; one submission).

Submission:

GeneDx
Classification: Uncertain significance. Last evaluated: 2019-11-18. Review status: criteria provided, single submitter. Criteria: GeneDx Variant Classification Process June 2021. Collection method: clinical testing. Allele origin: germline. Affected: yes.
Comment: Not observed in large population cohorts (Lek et al., 2016); In silico analysis, which includes protein predictors and evolutionary conservation, supports a deleterious effect; Has not been previously published as pathogenic or benign to our knowledge

NM_001127222.2(CACNA1A):c.1061T>A (p.Leu354His)

Genes: CACNA1A (calcium voltage-gated channel subunit alpha1 A; minus strand), LOC126862866 (MED14-independent group 3 enhancer GRCh37_chr19:13445719-13446918; plus strand). Cytogenetic location: 19p13.13.
Variant type: single nucleotide variant.
Coding change: c.1061T>A on transcript NM_001127222.2 (MANE Select); coding-DNA position 1061, T replaced by A.
Protein change: p.Leu354His; replaces leucine 354 with histidine.
Molecular consequence: missense variant.
Genome position (GRCh38, 1-based): chr19:13,335,827, A>T on the plus strand (T>A on the coding strand, the complement: CACNA1A is on the minus strand). VCF-style: chr19-13335827-A-T. GRCh37 (hg19) VCF-style: chr19-13446641-A-T.
Other names: c.1061T>A, p.Leu354His (NM_000068.4, NM_001127221.2, NM_001174080.2 and 1 more transcripts); short protein forms L354H.
Identifiers: ClinVar variation 1310500 (VCV001310500.2), dbSNP rs2145140311, ClinGen allele CA404346700.